The following is an entry in ClinVar:

NM_006545.5(NPRL2):c.640G>C (p.Asp214His)

Gene: NPRL2 (NPR2 like, GATOR1 complex subunit; minus strand). Cytogenetic location: 3p21.31.
Variant type: single nucleotide variant.
Coding change: c.640G>C on transcript NM_006545.5 (MANE Select); coding-DNA position 640, G replaced by C.
Protein change: p.Asp214His; replaces aspartic acid 214 with histidine.
Molecular consequence: missense variant.
Genome position (GRCh38, 1-based): chr3:50,348,728, C>G on the plus strand (G>C on the coding strand, the complement: NPRL2 is on the minus strand). VCF-style: chr3-50348728-C-G. GRCh37 (hg19) VCF-style: chr3-50386159-C-G.
Other names: short protein forms D214H.
Identifiers: ClinVar variation 1722418 (VCV001722418.4), dbSNP rs149128231, ClinGen allele CA2417543.

ClinVar aggregate classification (germline): Uncertain significance. Review status: criteria provided, multiple submitters, no conflicts (2 of 4 stars). 3 submissions from 3 submitters: Uncertain significance (3). Last evaluated 2025-07-22.

Conditions:
Inborn genetic diseases. Identifiers: MedGen C0950123, MeSH D030342.

Allele frequency attached by ClinVar (database versions not stated): ExAC 0.00005; TOPMed 0.00011; gnomAD 0.00012; ESP Exome Variant Server 0.00023; gnomAD exomes 0.00033.

Submissions (3):

Ambry Genetics
Classification: Uncertain significance for Inborn genetic diseases. Last evaluated: 2025-07-22. Review status: criteria provided, single submitter. Criteria: Ambry Variant Classification Scheme 2023. Collection method: clinical testing. Allele origin: germline.

Women's Health and Genetics/Laboratory Corporation of America, LabCorp
Classification: Uncertain significance. Last evaluated: 2025-03-13. Review status: criteria provided, single submitter. Criteria: LabCorp Variant Classification Summary - May 2015. Collection method: clinical testing. Allele origin: germline.
Comment: Variant summary: NPRL2 c.640G>C (p.Asp214His) results in a non-conservative amino acid change in the encoded protein sequence. Five of five in-silico tools predict a damaging effect of the variant on protein function. The variant allele was found at a frequency of 8e-05 in 251112 control chromosomes. This frequency is not significantly higher than estimated for a pathogenic variant in NPRL2 causing Epilepsy, Familial Focal, With Variable Foci 2, allowing no conclusion about variant significance. c.640G>C has been reported in the literature in at least one individual affected with Frontal Lobe Epilepsy with Frontal Ganglioglioma/Dysembryoplastic Neuroepithelial Tumor (e.g., Ricos_2016). These report(s) do not provide unequivocal conclusions about association of the variant with Epilepsy, Familial Focal, With Variable Foci 2. At least two publications report experimental evidence evaluating an impact on protein function; both studies indicated the variant had comparable activity to WT (Dawson_2020, Muller_2024). The following publications have been ascertained in the context of this evaluation (PMID: 31639411, 26505888, 38396745). ClinVar contains an entry for this variant (Variation ID: 1722418). Based on the evidence outlined above, the variant was classified as uncertain significance.

Blueprint Genetics
Classification: Uncertain significance. Last evaluated: 2024-10-22. Review status: criteria provided, single submitter. Criteria: ACMG Guidelines, 2015. Collection method: clinical testing. Allele origin: germline.

Literature cited by the submitters: PubMed 26505888 (cited by Ambry Genetics and Women's Health and Genetics/Laboratory Corporation of America, LabCorp); PubMed 31639411 (cited by Women's Health and Genetics/Laboratory Corporation of America, LabCorp); PubMed 38396745 (cited by Women's Health and Genetics/Laboratory Corporation of America, LabCorp).